The following is an entry in ClinVar:

NM_000052.7(ATP7A):c.3885G>A (p.Arg1295=)

Gene: ATP7A (ATPase copper transporting alpha; plus strand). Cytogenetic location: Xq21.1.
Variant type: single nucleotide variant.
Coding change: c.3885G>A on transcript NM_000052.7 (MANE Select); coding-DNA position 3885, G replaced by A.
Protein change: p.Arg1295=; no amino-acid change (arginine 1295 retained).
Molecular consequence: synonymous variant. On other transcripts: non-coding transcript variant (1).
Genome position (GRCh38, 1-based): chrX:78,042,668, G>A. VCF-style: chrX-78042668-G-A. GRCh37 (hg19) VCF-style: chrX-77298166-G-A.
Other names: c.3885G>A (NM_000052.6); c.3651G>A, p.Arg1217= (NM_001282224.2).
Identifiers: ClinVar variation 1529871 (VCV001529871.10), dbSNP rs895520660, ClinGen allele CA331108984.

ClinVar aggregate classification (germline): Likely benign. Review status: criteria provided, single submitter (1 of 4 stars). 2 submissions from 2 submitters: Likely benign (1). 1 of the submissions does not count toward it. Last evaluated 2024-09-17.

Conditions:
ATP7A-related disorder. Also called: ATP7A-related condition.
Menkes kinky-hair syndrome (MNK). Also called: Classic Menkes Disease; Copper transport disease; Menkes Disease. Identifiers: Orphanet 565, MedGen C0022716, MONDO:0010651, OMIM 309400.
X-linked distal spinal muscular atrophy type 3. Also called: NEURONOPATHY, DISTAL HEREDITARY MOTOR, X-LINKED; NEUROPATHY, DISTAL HEREDITARY MOTOR, X-LINKED; ATP7A-Related Distal Motor Neuropathy; SPINAL MUSCULAR ATROPHY, DISTAL, X-LINKED RECESSIVE. Identifiers: Orphanet 139557, MedGen C1845359, MONDO:0010338, OMIM 300489.
Cutis laxa, X-linked (OHS). Also called: EDS IX; Occipital horn syndrome. Identifiers: Orphanet 198, MedGen C0268353, MONDO:0010572, OMIM 304150.

Allele frequency attached by ClinVar (database versions not stated): gnomAD exomes 0.00001; TOPMed 0.00001.
gnomAD v4.1: 3 of 1,211,841 alleles (0.00025%); highest among the groups gnomAD compares: Non-Finnish European, 0.00033%; no homozygotes.

Submissions (2):

Labcorp Genetics (formerly Invitae), Labcorp
Classification: Likely benign for X-linked distal spinal muscular atrophy type 3; Cutis laxa, X-linked; Menkes kinky-hair syndrome. Last evaluated: 2024-09-17. Review status: criteria provided, single submitter. Criteria: Invitae Variant Classification Sherloc (09022015). Collection method: clinical testing. Allele origin: germline.

PreventionGenetics, part of Exact Sciences
Classification: Likely benign for ATP7A-related condition. Last evaluated: 2019-06-11. Review status: no assertion criteria provided. Collection method: clinical testing. Allele origin: germline. Not counted in ClinVar's aggregate classification.
Comment: This variant is classified as likely benign based on ACMG/AMP sequence variant interpretation guidelines (Richards et al. 2015 PMID: 25741868, with internal and published modifications).